The following is an entry in ClinVar:

NM_001734.5(C1S):c.1846A>G (p.Met616Val)

Gene: C1S (complement C1s; plus strand). Cytogenetic location: 12p13.31.
Variant type: single nucleotide variant.
Coding change: c.1846A>G on transcript NM_001734.5 (MANE Select); coding-DNA position 1846, A replaced by G.
Protein change: p.Met616Val; replaces methionine 616 with valine.
Molecular consequence: missense variant.
Genome position (GRCh38, 1-based): chr12:7,070,430, A>G. VCF-style: chr12-7070430-A-G. GRCh37 (hg19) VCF-style: chr12-7177734-A-G.
Other names: c.1345A>G, p.Met449Val (NM_001346850.2); c.1846A>G, p.Met616Val (NM_201442.4); short protein forms M616V, M449V.
Identifiers: ClinVar variation 4699369 (VCV004699369.1).

ClinVar aggregate classification (germline): Uncertain significance (1 of 4 stars; one submission).

Submission:

Labcorp Genetics (formerly Invitae), Labcorp
Classification: Uncertain significance. Last evaluated: 2025-03-22. Review status: criteria provided, single submitter. Criteria: Invitae Variant Classification Sherloc (09022015). Collection method: clinical testing. Allele origin: germline.
Comment: This sequence change replaces methionine, which is neutral and non-polar, with valine, which is neutral and non-polar, at codon 616 of the C1S protein (p.Met616Val). This variant is not present in population databases (gnomAD no frequency). This variant has not been reported in the literature in individuals affected with C1S-related conditions. Invitae Evidence Modeling of protein sequence and biophysical properties (such as structural, functional, and spatial information, amino acid conservation, physicochemical variation, residue mobility, and thermodynamic stability) indicates that this missense variant is expected to disrupt C1S protein function with a positive predictive value of 80%. In summary, the available evidence is currently insufficient to determine the role of this variant in disease. Therefore, it has been classified as a Variant of Uncertain Significance.